The following is an entry in ClinVar:

NM_016169.4(SUFU):c.1018G>T (p.Ala340Ser)

Gene: SUFU (SUFU negative regulator of hedgehog signaling; plus strand). Cytogenetic location: 10q24.32.
Variant type: single nucleotide variant.
Coding change: c.1018G>T on transcript NM_016169.4 (MANE Select); coding-DNA position 1018, G replaced by T.
Protein change: p.Ala340Ser; replaces alanine 340 with serine.
Molecular consequence: missense variant.
Genome position (GRCh38, 1-based): chr10:102,599,540, G>T. VCF-style: chr10-102599540-G-T. GRCh37 (hg19) VCF-style: chr10-104359297-G-T.
Other names: c.1018G>T, p.Ala340Ser (NM_001178133.2); short protein forms A340S.
Identifiers: ClinVar variation 135282 (VCV000135282.77), dbSNP rs34135067, ClinGen allele CA162213.
Genomic context (GRCh38, chr10:102,599,540, plus strand): 5'-AGCAAACCTGTCCTTCCACCAATCAACCCTCAGCGGCAGAATGGCCTCGCCCACGACCGG[G>T]CCCCGTAAGTTCCCCAGTGTCCCTGGGCTGGAACAAGAGGACGACTTTTTTCTGAAGGGC-3'
Protein context (NP_057253.2, residues 330-350): QRQNGLAHDR[Ala340Ser]PSRKDSLESD

ClinVar aggregate classification (germline): Benign/Likely benign. Review status: criteria provided, multiple submitters, no conflicts (2 of 4 stars). 20 submissions from 20 submitters: Benign (10); Likely benign (5). 5 of the submissions do not count toward it. Last evaluated 2026-09-01.

Conditions:
Joubert syndrome 32 (JBTS32). Identifiers: MedGen C4540342, MONDO:0033309, OMIM 617757.
Familial meningioma. Also called: Meningioma, familial, susceptibility to. Identifiers: Orphanet 263662, MedGen C3551915, MONDO:0011789, OMIM 607174.
Medulloblastoma (MDB). Also called: MEDULLOBLASTOMA PREDISPOSITION SYNDROME; Medulloblastoma, somatic. Identifiers: Orphanet 616, MedGen C0025149, MeSH D008527, MONDO:0007959, OMIM 155255, HP:0002885.
Basal cell nevus syndrome 2 (BCNS2). Also called: NEVOID BASAL CELL CARCINOMA SYNDROME 2. Identifiers: MedGen C5830451, MONDO:0958189, OMIM 620343.
Gorlin syndrome. Also called: Nevoid Basal Cell Carcinoma Syndrome; Basal cell nevus syndrome. Identifiers: Orphanet 377, MedGen C0004779, MONDO:0007187.
Hereditary cancer-predisposing syndrome. Also called: Neoplastic Syndromes, Hereditary; Tumor predisposition; Hereditary neoplastic syndrome; Hereditary Cancer Syndrome. Identifiers: Orphanet 140162, MedGen C0027672, MeSH D009386, MONDO:0015356.

Allele frequency attached by ClinVar (database versions not stated): 1000 Genomes Project 30x 0.00250; 1000 Genomes Project 0.00280; TOPMed 0.00553; gnomAD exomes 0.00596 and 0.00728; ExAC 0.00606; gnomAD 0.00629 and 0.00646; ESP Exome Variant Server 0.00669.
gnomAD v4.1: 11,583 of 1,613,966 alleles (0.72%); highest among the groups gnomAD compares: Non-Finnish European, 0.86%; 57 homozygotes.

Submissions (20):

CeGaT Center for Human Genetics Tuebingen
Classification: Likely benign. Last evaluated: 2026-09-01. Review status: criteria provided, single submitter. Criteria: CeGaT Center For Human Genetics Tuebingen Variant Classification Criteria Version 2. Collection method: clinical testing. Allele origin: germline. Affected: yes. Observed: 157 variant alleles.
Comment: SUFU: PP2, BP4, BS2

Labcorp Genetics (formerly Invitae), Labcorp
Classification: Benign for Gorlin syndrome; Medulloblastoma. Last evaluated: 2026-02-04. Review status: criteria provided, single submitter. Criteria: Invitae Variant Classification Sherloc (09022015). Collection method: clinical testing. Allele origin: germline.

Dasa
Classification: Benign. Last evaluated: 2025-10-28. Review status: criteria provided, single submitter. Criteria: DASA Assertion Criteria. Collection method: clinical testing. Allele origin: germline.
Comment: NM_016169.4(SUFU):c.1018G>T (p.Ala340Ser) is a missense variant that results in the substitution of alanine with serine. Population frequency is inconsistent with a disease-causing role for this variant, and observations in unaffected individuals support a benign interpretation. Computational prediction algorithms are consistent with a benign effect. Therefore, based on the currently available evidence, this variant is classified as benign.

ARUP Laboratories, Molecular Genetics and Genomics, ARUP Laboratories
Classification: Benign. Last evaluated: 2025-07-02. Review status: criteria provided, single submitter. Criteria: ARUP Molecular Germline Variant Investigation Process 2024. Collection method: clinical testing. Allele origin: germline.

Mayo Clinic Laboratories, Mayo Clinic
Classification: Likely benign. Last evaluated: 2025-03-31. Review status: criteria provided, single submitter. Criteria: ACMG Guidelines, 2015. Collection method: clinical testing. Allele origin: germline. Observed: 3 variant alleles.
Comment: BS1, BP4_moderate

Center for Genomic Medicine, Rigshospitalet, Copenhagen University Hospital
Classification: Likely benign. Last evaluated: 2025-03-04. Review status: criteria provided, single submitter. Criteria: ACMG Guidelines, 2015. Collection method: clinical testing. Allele origin: germline.

KCCC/NGS Laboratory, Kuwait Cancer Control Center
Classification: Benign for Familial meningioma. Last evaluated: 2025-02-01. Review status: criteria provided, single submitter. Criteria: ACMG Guidelines, 2015. Collection method: clinical testing. Allele origin: germline. Affected: no.

Quest Diagnostics Nichols Institute San Juan Capistrano
Classification: Benign. Last evaluated: 2022-06-30. Review status: criteria provided, single submitter. Criteria: Quest Diagnostics criteria. Collection method: clinical testing. Allele origin: unknown.

Department of Pathology and Laboratory Medicine, Sinai Health System
Classification: Benign for Medulloblastoma; Familial meningioma; Joubert syndrome 32; Basal cell nevus syndrome 2. Last evaluated: 2022-06-16. Review status: criteria provided, single submitter. Criteria: ACMG Guidelines, 2015. Collection method: clinical testing. Allele origin: germline. Affected: no.

Fulgent Genetics
Classification: Benign for Basal cell nevus syndrome 1; Medulloblastoma; Familial meningioma; Joubert syndrome 32. Last evaluated: 2021-07-26. Review status: criteria provided, single submitter. Criteria: ACMG Guidelines, 2015. Collection method: clinical testing. Allele origin: unknown.

GeneDx
Classification: Benign. Last evaluated: 2020-01-15. Review status: criteria provided, single submitter. Criteria: GeneDx Variant Classification Process June 2021. Collection method: clinical testing. Allele origin: germline. Affected: yes.
Comment: This variant is associated with the following publications: (PMID: 16760173, 28717660, 24728327, 12068298, 21188540, 17102621, 22508808, 28051113)

Illumina Laboratory Services, Illumina
Classification: Likely benign for Medulloblastoma. Last evaluated: 2018-01-12. Review status: criteria provided, single submitter. Criteria: ICSL Variant Classification Criteria 13 December 2019. Collection method: clinical testing. Allele origin: germline.
Comment: This variant was observed in the ICSL laboratory as part of a predisposition screen in an ostensibly healthy population. It had not been previously curated by ICSL or reported in the Human Gene Mutation Database (HGMD: prior to June 1st, 2018), and was therefore a candidate for classification through an automated scoring system. Utilizing variant allele frequency, disease prevalence and penetrance estimates, and inheritance mode, an automated score was calculated to assess if this variant is too frequent to cause the disease. Based on the score and internal cut-off values, a variant classified as likely benign is not then subjected to further curation. The score for this variant resulted in a classification of likely benign for this disease.

Ambry Genetics
Classification: Benign for Hereditary cancer-predisposing syndrome. Last evaluated: 2016-12-08. Review status: criteria provided, single submitter. Criteria: Ambry Variant Classification Scheme 2023. Collection method: clinical testing. Allele origin: germline.

Center for Pediatric Genomic Medicine, Children's Mercy Hospital and Clinics
Classification: Likely benign. Last evaluated: 2016-09-27. Review status: criteria provided, single submitter. Criteria: ACMG Guidelines, 2015. Collection method: clinical testing. Allele origin: germline.
ClinVar note: Converted during submission from Likely Benign to Likely benign.

Women's Health and Genetics/Laboratory Corporation of America, LabCorp
Classification: Benign. Last evaluated: 2016-05-25. Review status: criteria provided, single submitter. Criteria: LabCorp Variant Classification Summary - May 2015. Collection method: clinical testing. Allele origin: germline.
Comment: Variant summary: The SUFU c.1018G>T (p.Ala340Ser) variant involves the alteration of a conserved nucleotide. 4/5 in silico tools predict a benign outcome. This variant was found in 733/120930 control chromosomes (including 5 homozygotes), predominantly observed in the European (Finnish) subpopulation at a frequency of 0.0105836 (70/6614). This frequency is about 10499 times the estimated maximal expected allele frequency of a pathogenic SUFU variant (0.000001), suggesting this is a benign polymorphism found primarily in the populations of European (Finnish) origin. Taken together, this variant is classified as Benign.

ITMI
No classification provided. Condition: AllHighlyPenetrant. Last evaluated: 2013-09-19. Review status: no classification provided. Collection method: reference population. Allele origin: germline. Not counted in ClinVar's aggregate classification.
Comment: Please see associated publication for description of ethnicities

Clinical Genetics DNA and cytogenetics Diagnostics Lab, Erasmus MC, Erasmus Medical Center
Classification: Likely benign. Review status: no assertion criteria provided. Collection method: clinical testing. Allele origin: germline. Affected: yes. Study: VKGL Data-share Consensus. Not counted in ClinVar's aggregate classification.

Genome Diagnostics Laboratory, Amsterdam University Medical Center
Classification: Benign. Review status: no assertion criteria provided. Collection method: clinical testing. Allele origin: germline. Affected: yes. Study: VKGL Data-share Consensus. Not counted in ClinVar's aggregate classification.

Joint Genome Diagnostic Labs from Nijmegen and Maastricht, Radboudumc and MUMC+
Classification: Benign. Review status: no assertion criteria provided. Collection method: clinical testing. Allele origin: germline. Affected: yes. Study: VKGL Data-share Consensus. Not counted in ClinVar's aggregate classification.

Laboratory of Diagnostic Genome Analysis, Leiden University Medical Center (LUMC)
Classification: Likely benign. Review status: no assertion criteria provided. Collection method: clinical testing. Allele origin: germline. Affected: yes. Study: VKGL Data-share Consensus. Not counted in ClinVar's aggregate classification.

Literature cited by the submitters: PubMed 34056767 (cited by Quest Diagnostics Nichols Institute San Juan Capistrano); PubMed 24728327 (cited by Quest Diagnostics Nichols Institute San Juan Capistrano and ITMI); PubMed 12068298 (cited by Quest Diagnostics Nichols Institute San Juan Capistrano); PubMed 21188540 (cited by Quest Diagnostics Nichols Institute San Juan Capistrano); PubMed 28717660 (cited by Quest Diagnostics Nichols Institute San Juan Capistrano); PubMed 17102621 (cited by Quest Diagnostics Nichols Institute San Juan Capistrano).